The following is an entry in ClinVar:

NM_052947.4(ALPK2):c.2789A>G (p.Glu930Gly)

Gene: ALPK2 (alpha kinase 2; minus strand). Cytogenetic location: 18q21.31.
Variant type: single nucleotide variant.
Coding change: c.2789A>G on transcript NM_052947.4 (MANE Select); coding-DNA position 2789, A replaced by G.
Protein change: p.Glu930Gly; replaces glutamic acid 930 with glycine.
Molecular consequence: missense variant.
Genome position (GRCh38, 1-based): chr18:58,537,398, T>C on the plus strand (A>G on the coding strand, the complement: ALPK2 is on the minus strand). VCF-style: chr18-58537398-T-C. GRCh37 (hg19) VCF-style: chr18-56204630-T-C.
Other names: short protein forms E930G.
Identifiers: ClinVar variation 3228651 (VCV003228651.1), dbSNP rs2518877240, ClinGen allele CA402569778.

ClinVar aggregate classification (germline): Uncertain significance (1 of 4 stars; one submission).

Allele frequency attached by ClinVar (database versions not stated): gnomAD exomes below 0.00001.
gnomAD v4.1: 1 of 1,613,862 alleles (0.000062%); highest among the groups gnomAD compares: Non-Finnish European, 0.000085%; no homozygotes.

Submission:

Ambry Genetics
Classification: Uncertain significance. Last evaluated: 2023-10-01. Review status: criteria provided, single submitter. Criteria: Ambry Variant Classification Scheme 2023. Collection method: clinical testing. Allele origin: germline.
Comment: The p.E930G variant (also known as c.2789A>G), located in coding exon 4 of the ALPK2 gene, results from an A to G substitution at nucleotide position 2789. The glutamic acid at codon 930 is replaced by glycine, an amino acid with similar properties. This amino acid position is conserved. In addition, this alteration is predicted to be tolerated by in silico analysis. Since supporting evidence is limited at this time, the clinical significance of this alteration remains unclear.